The following is an entry in ClinVar:

NM_000051.4(ATM):c.3760G>A (p.Val1254Ile)

Gene: ATM (ATM serine/threonine kinase; plus strand). Cytogenetic location: 11q22.3.
Variant type: single nucleotide variant.
Coding change: c.3760G>A on transcript NM_000051.4 (MANE Select); coding-DNA position 3760, G replaced by A.
Protein change: p.Val1254Ile; replaces valine 1254 with isoleucine.
Molecular consequence: missense variant.
Genome position (GRCh38, 1-based): chr11:108,284,240, G>A. VCF-style: chr11-108284240-G-A. GRCh37 (hg19) VCF-style: chr11-108154967-G-A.
Other names: c.3760G>A, p.Val1254Ile (NM_001351834.2); short protein forms V1254I.
Identifiers: ClinVar variation 824172 (VCV000824172.10), dbSNP rs753717865, ClinGen allele CA6265349.

ClinVar aggregate classification (germline): Uncertain significance. Review status: criteria provided, multiple submitters, no conflicts (2 of 4 stars). 2 submissions from 2 submitters: Uncertain significance (2). Last evaluated 2025-07-31.

Conditions:
Hereditary cancer-predisposing syndrome. Also called: Neoplastic Syndromes, Hereditary; Hereditary Cancer Syndrome; Hereditary neoplastic syndrome; Tumor predisposition. Identifiers: Orphanet 140162, MedGen C0027672, MeSH D009386, MONDO:0015356.
Ataxia-telangiectasia syndrome (AT). Also called: ATAXIA-TELANGIECTASIA, COMPLEMENTATION GROUP A; ATAXIA-TELANGIECTASIA, FRESNO VARIANT; Ataxia-telangiectasia, complementation group E; Ataxia telangiectasia (A-T); LOUIS-BAR SYNDROME; Cerebello-oculocutaneous telangiectasia. Identifiers: Orphanet 100, MedGen C0004135, MONDO:0008840, OMIM 208900.

Allele frequency attached by ClinVar (database versions not stated): gnomAD exomes below 0.00001; ExAC 0.00001.
gnomAD v4.1: 2 of 1,609,100 alleles (0.00012%); highest among the groups gnomAD compares: East Asian, 0.0045%; no homozygotes.

Submissions (2):

Labcorp Genetics (formerly Invitae), Labcorp
Classification: Uncertain significance for Ataxia-telangiectasia syndrome. Last evaluated: 2025-07-31. Review status: criteria provided, single submitter. Criteria: Invitae Variant Classification Sherloc (09022015). Collection method: clinical testing. Allele origin: germline.
Comment: This sequence change replaces valine, which is neutral and non-polar, with isoleucine, which is neutral and non-polar, at codon 1254 of the ATM protein (p.Val1254Ile). This variant is present in population databases (rs753717865, gnomAD 0.006%). This variant has not been reported in the literature in individuals affected with ATM-related conditions. ClinVar contains an entry for this variant (Variation ID: 824172). Invitae Evidence Modeling of protein sequence and biophysical properties (such as structural, functional, and spatial information, amino acid conservation, physicochemical variation, residue mobility, and thermodynamic stability) indicates that this missense variant is not expected to disrupt ATM protein function with a negative predictive value of 95%. In summary, the available evidence is currently insufficient to determine the role of this variant in disease. Therefore, it has been classified as a Variant of Uncertain Significance.

Ambry Genetics
Classification: Uncertain significance for Hereditary cancer-predisposing syndrome. Last evaluated: 2023-10-15. Review status: criteria provided, single submitter. Criteria: Ambry Variant Classification Scheme 2023. Collection method: clinical testing. Allele origin: germline.
Comment: The p.V1254I variant (also known as c.3760G>A), located in coding exon 25 of the ATM gene, results from a G to A substitution at nucleotide position 3760. The valine at codon 1254 is replaced by isoleucine, an amino acid with highly similar properties. This amino acid position is well conserved in available vertebrate species. In addition, this alteration is predicted to be tolerated by in silico analysis. Since supporting evidence is limited at this time, the clinical significance of this alteration remains unclear.